The following is an entry in ClinVar:

NM_000392.5(ABCC2):c.3424G>A (p.Val1142Met)

Gene: ABCC2 (ATP binding cassette subfamily C member 2; plus strand). Cytogenetic location: 10q24.2.
Variant type: single nucleotide variant.
Coding change: c.3424G>A on transcript NM_000392.5 (MANE Select); coding-DNA position 3424, G replaced by A.
Protein change: p.Val1142Met; replaces valine 1142 with methionine.
Molecular consequence: missense variant.
Genome position (GRCh38, 1-based): chr10:99,836,100, G>A. VCF-style: chr10-99836100-G-A. GRCh37 (hg19) VCF-style: chr10-101595857-G-A.
Other names: c.3424G>A (NM_000392.4); short protein forms V1142M.
Identifiers: ClinVar variation 3873710 (VCV003873710.2).

ClinVar aggregate classification (germline): Uncertain significance. Review status: criteria provided, multiple submitters, no conflicts (2 of 4 stars). 2 submissions from 2 submitters: Uncertain significance (2). Last evaluated 2026-04-03.

Conditions:
ABCC2-related disorder. Also called: ABCC2-related condition.
Inborn genetic diseases. Identifiers: MedGen C0950123, MeSH D030342.

Submissions (2):

PreventionGenetics, part of Exact Sciences
Classification: Uncertain significance for ABCC2-related condition. Last evaluated: 2026-04-03. Review status: criteria provided, single submitter. Criteria: ACMG Guidelines, 2015. Collection method: clinical testing. Allele origin: germline.
Comment: The ABCC2 c.3424G>A variant is predicted to result in the amino acid substitution p.Val1142Met. To our knowledge, this variant has not been reported in the literature. This variant is reported in 0.00088% of alleles in individuals of European (Non-Finnish) descent in gnomAD. At this time, the clinical significance of this variant is uncertain due to the absence of conclusive functional and genetic evidence.

Ambry Genetics
Classification: Uncertain significance for Inborn genetic diseases. Last evaluated: 2024-12-12. Review status: criteria provided, single submitter. Criteria: Ambry Variant Classification Scheme 2023. Collection method: clinical testing. Allele origin: germline.